The following is an entry in ClinVar:

ClinVar aggregate classification (germline): Uncertain significance (1 of 4 stars; one submission).

Allele frequency attached by ClinVar (database versions not stated): gnomAD exomes 0.00003 and 0.00006; gnomAD 0.00008 and 0.00009; TOPMed 0.00009; ExAC 0.00010; 1000 Genomes Project 30x 0.00016; 1000 Genomes Project 0.00020.
gnomAD v4.1: 60 of 1,614,130 alleles (0.0037%); highest among the groups gnomAD compares: East Asian, 0.029%; no homozygotes.

Submission:

Labcorp Genetics (formerly Invitae), Labcorp
Classification: Uncertain significance. Last evaluated: 2024-01-17. Review status: criteria provided, single submitter. Criteria: Invitae Variant Classification Sherloc (09022015). Collection method: clinical testing. Allele origin: germline.
Comment: This sequence change replaces valine, which is neutral and non-polar, with isoleucine, which is neutral and non-polar, at codon 817 of the BMP1 protein (p.Val817Ile). This variant is present in population databases (rs543117827, gnomAD 0.05%). This variant has not been reported in the literature in individuals affected with BMP1-related conditions. ClinVar contains an entry for this variant (Variation ID: 1465572). Advanced modeling of protein sequence and biophysical properties (such as structural, functional, and spatial information, amino acid conservation, physicochemical variation, residue mobility, and thermodynamic stability) performed at Invitae indicates that this missense variant is not expected to disrupt BMP1 protein function with a negative predictive value of 80%. In summary, the available evidence is currently insufficient to determine the role of this variant in disease. Therefore, it has been classified as a Variant of Uncertain Significance.

NM_006129.5(BMP1):c.2449G>A (p.Val817Ile)

Gene: BMP1 (bone morphogenetic protein 1; plus strand). Cytogenetic location: 8p21.3.
Variant type: single nucleotide variant.
Coding change: c.2449G>A on transcript NM_006129.5 (MANE Select); coding-DNA position 2449, G replaced by A.
Protein change: p.Val817Ile; replaces valine 817 with isoleucine.
Molecular consequence: missense variant. On other transcripts: non-coding transcript variant (1).
Genome position (GRCh38, 1-based): chr8:22,207,390, G>A. VCF-style: chr8-22207390-G-A. GRCh37 (hg19) VCF-style: chr8-22064903-G-A.
Other names: short protein forms V817I.
Identifiers: ClinVar variation 1465572 (VCV001465572.6), dbSNP rs543117827, ClinGen allele CA4665257.